The following is an entry in ClinVar:

NM_001943.5(DSG2):c.308T>C (p.Val103Ala)

Gene: DSG2 (desmoglein 2; plus strand). Cytogenetic location: 18q12.1.
Variant type: single nucleotide variant.
Coding change: c.308T>C on transcript NM_001943.5 (MANE Select); coding-DNA position 308, T replaced by C.
Protein change: p.Val103Ala; replaces valine 103 with alanine.
Molecular consequence: missense variant.
Genome position (GRCh38, 1-based): chr18:31,520,894, T>C. VCF-style: chr18-31520894-T-C. GRCh37 (hg19) VCF-style: chr18-29100857-T-C.
Other names: short protein forms V103A.
Identifiers: ClinVar variation 228627 (VCV000228627.23), dbSNP rs876657790, ClinGen allele CA10577052.

ClinVar aggregate classification (germline): Uncertain significance. Review status: criteria provided, multiple submitters, no conflicts (2 of 4 stars). 8 submissions from 8 submitters: Uncertain significance (8). Last evaluated 2025-02-18.

Conditions:
Cardiomyopathy (CMYO). Also called: Cardiomyopathies. Identifiers: Orphanet 167848, MedGen C0878544, MONDO:0004994, HP:0001638. Inheritance: Various modes of inheritance.
Cardiovascular phenotype. Identifiers: MedGen CN230736.
Arrhythmogenic right ventricular cardiomyopathy (ARVD). Also called: Arrhythmogenic cardiomyopathy; Arrhythmogenic Right Ventricular Cardiomyopathy (ARVC); Arrhythmogenic right ventricular dysplasia; Cardiomyopathy, ARVC. Identifiers: Orphanet 247, MedGen C0349788, MeSH D019571, MONDO:0016587. Disease mechanism: loss of function. Inheritance: Various modes of inheritance.
Arrhythmogenic right ventricular dysplasia 10. Also called: Arrhythmogenic right ventricular dysplasia/cardiomyopathy, type 10; Arrhythmogenic Right Ventricular Dysplasia/Cardiomyopathy10; ARRHYTHMOGENIC RIGHT VENTRICULAR DYSPLASIA, FAMILIAL, 10. Identifiers: MedGen C1857777, MONDO:0012434, OMIM 610193.

Allele frequency attached by ClinVar (database versions not stated): gnomAD exomes below 0.00001 and 0.00001; gnomAD 0.00001.
gnomAD v4.1: 10 of 1,613,844 alleles (0.00062%); highest among the groups gnomAD compares: South Asian, 0.0011%; no homozygotes.

Submissions (8):

Women's Health and Genetics/Laboratory Corporation of America, LabCorp
Classification: Uncertain significance. Last evaluated: 2025-02-18. Review status: criteria provided, single submitter. Criteria: LabCorp Variant Classification Summary - May 2015. Collection method: clinical testing. Allele origin: germline.
Comment: Variant summary: DSG2 c.308T>C (p.Val103Ala) results in a non-conservative amino acid change located in the Cadherin-like domain (IPR002126) of the encoded protein sequence. Three of five in-silico tools predict a damaging effect of the variant on protein function. The variant allele was found at a frequency of 4e-06 in 249158 control chromosomes. The available data on variant occurrences in the general population are insufficient to allow any conclusion about variant significance. c.308T>C has been reported in the literature in an individual with dilated cardiomyopathy and in an infant with severe sinus bradycardia, without strong evidence of causality (Mazzarotto_2020, Moisa_2023). The infant also had Diamond-Blackfan anemia and was found to carry a pathogenic variant in the RPS19 gene that was presumed to be de novo. These reports do not provide unequivocal conclusions about association of the variant with Arrhythmogenic Right Ventricular Dysplasia/Cardiomyopathy. To our knowledge, no experimental evidence demonstrating an impact on protein function has been reported. The following publications have been ascertained in the context of this evaluation (PMID: 36837563, 31983221). ClinVar contains an entry for this variant (Variation ID: 228627). Based on the evidence outlined above, the variant was classified as uncertain significance.

Labcorp Genetics (formerly Invitae), Labcorp
Classification: Uncertain significance for Arrhythmogenic right ventricular dysplasia 10. Last evaluated: 2024-09-02. Review status: criteria provided, single submitter. Criteria: Invitae Variant Classification Sherloc (09022015). Collection method: clinical testing. Allele origin: germline.
Comment: This sequence change replaces valine, which is neutral and non-polar, with alanine, which is neutral and non-polar, at codon 103 of the DSG2 protein (p.Val103Ala). This variant is present in population databases (no rsID available, gnomAD 0.0009%). This missense change has been observed in individual(s) with bradycardia (PMID: 36837563). ClinVar contains an entry for this variant (Variation ID: 228627). Invitae Evidence Modeling of protein sequence and biophysical properties (such as structural, functional, and spatial information, amino acid conservation, physicochemical variation, residue mobility, and thermodynamic stability) indicates that this missense variant is not expected to disrupt DSG2 protein function with a negative predictive value of 95%. In summary, the available evidence is currently insufficient to determine the role of this variant in disease. Therefore, it has been classified as a Variant of Uncertain Significance.

Ambry Genetics
Classification: Uncertain significance for Cardiovascular phenotype. Last evaluated: 2024-07-29. Review status: criteria provided, single submitter. Criteria: Ambry Variant Classification Scheme 2023. Collection method: clinical testing. Allele origin: germline.
Comment: The p.V103A variant (also known as c.308T>C), located in coding exon 4 of the DSG2 gene, results from a T to C substitution at nucleotide position 308. The valine at codon 103 is replaced by alanine, an amino acid with similar properties. This amino acid position is not well conserved in available vertebrate species. In addition, this alteration is predicted to be tolerated by in silico analysis. Based on the available evidence, the clinical significance of this variant remains unclear.

Blueprint Genetics
Classification: Uncertain significance. Last evaluated: 2024-01-08. Review status: criteria provided, single submitter. Criteria: ACMG Guidelines, 2015. Collection method: clinical testing. Allele origin: germline.

All of Us Research Program, National Institutes of Health
Classification: Uncertain significance for Arrhythmogenic right ventricular cardiomyopathy. Last evaluated: 2023-12-01. Review status: criteria provided, single submitter. Criteria: ACMG Guidelines, 2015. Collection method: clinical testing. Allele origin: germline. Inheritance: Autosomal dominant inheritance. Observed: 2 variant alleles, 2 heterozygotes.
Comment: This missense variant replaces valine with alanine at codon 103 of the DSG2 protein. Computational prediction suggests that this variant may not impact protein structure and function (internally defined REVEL score threshold <= 0.5, PMID: 27666373). To our knowledge, functional studies have not been reported for this variant. This variant has been reported in at least one individual affected with dilated cardiomyopathy (PMID: 31983221; ClinVar: SCV000271711.2) and in one individual with Diamond-Blackfan anemia type 1 with sinus bradycardia who also carried a pathogenic variant in the RPS19 gene (PMID: 36837563). This variant has been identified in 1/249158 chromosomes in the general population by the Genome Aggregation Database (gnomAD). The available evidence is insufficient to determine the role of this variant in disease conclusively. Therefore, this variant is classified as a Variant of Uncertain Significance.

This study involves interpretation of variants in research participants for the purpose of population health screening. Participant phenotype was not available at the time of variant classification. Additional details can be found in publication PMID: 35346344, PMCID: PMC8962531

GeneDx
Classification: Uncertain significance. Last evaluated: 2023-10-26. Review status: criteria provided, single submitter. Criteria: GeneDx Variant Classification Process June 2021. Collection method: clinical testing. Allele origin: germline. Affected: yes.
Comment: Not observed at significant frequency in large population cohorts (gnomAD); In silico analysis supports that this missense variant has a deleterious effect on protein structure/function; Reported in an individual with sinus bradycardia and Diamond-Blackfan anemia who also harbored a de novo variant in the RPS19 gene (PMID: 36837563); This variant is associated with the following publications: (PMID: 36837563)

Color Diagnostics, LLC DBA Color Health
Classification: Uncertain significance for Cardiomyopathy. Last evaluated: 2023-10-10. Review status: criteria provided, single submitter. Criteria: ACMG Guidelines, 2015. Collection method: clinical testing. Allele origin: germline.
Comment: This missense variant replaces valine with alanine at codon 103 of the DSG2 protein. Computational prediction suggests that this variant may not impact protein structure and function (internally defined REVEL score threshold <= 0.5, PMID: 27666373). To our knowledge, functional studies have not been reported for this variant. This variant has been reported in at least one individual affected with dilated cardiomyopathy (PMID: 31983221; ClinVar: SCV000271711.2) and in one individual with Diamond-Blackfan anemia type 1 with sinus bradycardia who also carried a pathogenic variant in the RPS19 gene (PMID: 36837563). This variant has been identified in 1/249158 chromosomes in the general population by the Genome Aggregation Database (gnomAD). The available evidence is insufficient to determine the role of this variant in disease conclusively. Therefore, this variant is classified as a Variant of Uncertain Significance.

Laboratory for Molecular Medicine, Mass General Brigham Personalized Medicine
Classification: Uncertain significance. Last evaluated: 2017-01-27. Review status: criteria provided, single submitter. Criteria: LMM Criteria. Collection method: clinical testing. Allele origin: germline. Observed: 3 variant alleles.
Comment: Both of t hese individuals also carried a likely pathogenic variant in a different gene su fficient to cause disease. The p.Val103Ala has not been previously reported in t he literature and is absent from large population studies. Valine (Val) at posit ion 103 is not conserved in mammals or evolutionarily distant species and 1 mamm al (big brown bat) carries an alanine (Ala), raising the possibility that this c hange may be tolerated. Additional computational prediction tools do not provide strong support for or against an impact to the protein. In summary, the clinica l significance of the p.Val103Ala variant is uncertain.

Literature cited by the submitters: PubMed 31983221 (cited by 3 submitters); PubMed 36837563 (cited by 4 submitters).